The following is an entry in ClinVar:

NM_000492.4(CFTR):c.1178_1188delinsG (p.Val393fs)

Gene: CFTR (CF transmembrane conductance regulator; plus strand). Cytogenetic location: 7q31.2.
Variant type: Indel.
Coding change: c.1178_1188delinsG on transcript NM_000492.4 (MANE Select); coding-DNA positions 1178 to 1188, TGATGGAGAAT replaced by G.
Protein change: p.Val393fs; shifts the reading frame from valine 393.
Molecular consequence: frameshift variant.
Genome position (GRCh38, 1-based): chr7:117,542,077-117,542,087, TGATGGAGAAT replaced by G. VCF-style: chr7-117542077-TGATGGAGAAT-G. GRCh37 (hg19) VCF-style: chr7-117182131-TGATGGAGAAT-G.
Other names: short protein forms V393fs.
Identifiers: ClinVar variation 4818463 (VCV004818463.1).

ClinVar aggregate classification (germline): Likely pathogenic (1 of 4 stars; one submission).

Conditions:
CFTR-related disorder (CFTR-RD). Also called: CFTR-related disorders; CFTR-related condition. Identifiers: MedGen C5924204, MONDO:7770004.

Submission:

Natera, Inc.
Classification: Likely pathogenic for CFTR-related disorders. Last evaluated: 2024-05-03. Review status: criteria provided, single submitter. Criteria: Natera Variant Classification Schema (03/2026). Collection method: clinical testing. Allele origin: germline.
Comment: The c.1178_1188delTGATGGAGAATinsG variant in CFTR is a frameshift variant predicted to shift the reading frame beginning at codon 393 and leads to a stop codon 2 codons downstream. This variant is expected to result in nonsense mediated decay, truncation, or a dysfunctional protein product. This variant is rare in the general population with a frequency below the threshold expected for the associated phenotype(s). Given the available evidence, this variant is classified as Likely Pathogenic.